The following is an entry in ClinVar:

ClinVar aggregate classification (germline): Likely benign. Review status: criteria provided, multiple submitters, no conflicts (2 of 4 stars). 3 submissions from 3 submitters: Likely benign (3). Last evaluated 2026-04-13.

Conditions:
Hereditary cancer-predisposing syndrome. Also called: Tumor predisposition; Hereditary Cancer Syndrome; Hereditary neoplastic syndrome; Neoplastic Syndromes, Hereditary. Identifiers: Orphanet 140162, MedGen C0027672, MeSH D009386, MONDO:0015356.
DICER1-related tumor predisposition. Also called: DICER1 syndrome; DICER1-related pleuropulmonary blastoma cancer predisposition syndrome. Identifiers: Orphanet 284343, MedGen C3839822, MONDO:0100216.

Allele frequency attached by ClinVar (database versions not stated): gnomAD exomes below 0.00001.
gnomAD v4.1: 1 of 1,609,900 alleles (0.000062%); highest among the groups gnomAD compares: Non-Finnish European, 0.000085%; no homozygotes.

Submissions (3):

Myriad Genetics, Inc.
Classification: Likely benign for DICER1-related tumor predisposition. Last evaluated: 2026-04-13. Review status: criteria provided, single submitter. Criteria: Myriad Autosomal Dominant, Autosomal Recessive and X-Linked Classification Criteria (2023). Collection method: clinical testing. Allele origin: unknown.
Comment: This variant is considered likely benign. This variant is intronic and is not expected to impact mRNA splicing.

Ambry Genetics
Classification: Likely benign for Hereditary cancer-predisposing syndrome. Last evaluated: 2025-07-16. Review status: criteria provided, single submitter. Criteria: Ambry Variant Classification Scheme 2023. Collection method: clinical testing. Allele origin: germline.

Labcorp Genetics (formerly Invitae), Labcorp
Classification: Likely benign for DICER1-related tumor predisposition. Last evaluated: 2025-04-16. Review status: criteria provided, single submitter. Criteria: Invitae Variant Classification Sherloc (09022015). Collection method: clinical testing. Allele origin: germline.

NM_177438.3(DICER1):c.3094-4G>C

Gene: DICER1 (dicer 1, ribonuclease III; minus strand). Cytogenetic location: 14q32.13.
Variant type: single nucleotide variant.
Coding change: c.3094-4G>C on transcript NM_177438.3 (MANE Select); 4 bases into the intron before coding-DNA position 3094, G replaced by C.
Molecular consequence: intron variant.
Genome position (GRCh38, 1-based): chr14:95,105,250, C>G on the plus strand (G>C on the coding strand, the complement: DICER1 is on the minus strand). VCF-style: chr14-95105250-C-G. GRCh37 (hg19) VCF-style: chr14-95571587-C-G.
Other names: c.3094-4G>C (NM_001291628.2, NM_030621.4, NM_001271282.3 and 1 more transcripts).
Identifiers: ClinVar variation 822851 (VCV000822851.16), dbSNP rs1595371340, ClinGen allele CA915946378.
Genomic context (GRCh38, chr14:95,105,250, plus strand): 5'-TTTTCTCCACAGTGATGCTGGAATTGGATGTATAGCACAGAGTTCTGGAACCAGTATCTT[C>G]AAGTAAGGGGAAAAATGGACAGATAAATACAAAGCGCACACACAAAAGAAAAAAAAAAAG-3'